The following is an entry in ClinVar:

ClinVar aggregate classification (germline): Uncertain significance (1 of 4 stars; one submission).

Conditions:
Nephronophthisis. Also called: Juvenile Nephronophthisis. Identifiers: Orphanet 655, MedGen C0687120, MONDO:0019005, HP:0000090.

gnomAD v4.1: 1 of 1,612,162 alleles (0.000062%); highest among the groups gnomAD compares: Non-Finnish European, 0.000085%; no homozygotes.

Submission:

Labcorp Genetics (formerly Invitae), Labcorp
Classification: Uncertain significance for Nephronophthisis. Last evaluated: 2024-10-26. Review status: criteria provided, single submitter. Criteria: Invitae Variant Classification Sherloc (09022015). Collection method: clinical testing. Allele origin: germline.
Comment: This sequence change replaces glycine, which is neutral and non-polar, with serine, which is neutral and polar, at codon 1028 of the NPHP4 protein (p.Gly1028Ser). This variant is not present in population databases (gnomAD no frequency). This variant has not been reported in the literature in individuals affected with NPHP4-related conditions. ClinVar contains an entry for this variant (Variation ID: 842990). Invitae Evidence Modeling of protein sequence and biophysical properties (such as structural, functional, and spatial information, amino acid conservation, physicochemical variation, residue mobility, and thermodynamic stability) indicates that this missense variant is not expected to disrupt NPHP4 protein function with a negative predictive value of 80%. In summary, the available evidence is currently insufficient to determine the role of this variant in disease. Therefore, it has been classified as a Variant of Uncertain Significance.

NM_015102.5(NPHP4):c.3082G>A (p.Gly1028Ser)

Gene: NPHP4 (nephrocystin 4; minus strand). Cytogenetic location: 1p36.31.
Variant type: single nucleotide variant.
Coding change: c.3082G>A on transcript NM_015102.5 (MANE Select); coding-DNA position 3082, G replaced by A.
Protein change: p.Gly1028Ser; replaces glycine 1028 with serine.
Molecular consequence: missense variant. On other transcripts: non-coding transcript variant (1).
Genome position (GRCh38, 1-based): chr1:5,874,620, C>T on the plus strand (G>A on the coding strand, the complement: NPHP4 is on the minus strand). VCF-style: chr1-5874620-C-T. GRCh37 (hg19) VCF-style: chr1-5934680-C-T.
Other names: c.1543G>A, p.Gly515Ser (NM_001291593.2); c.1546G>A, p.Gly516Ser (NM_001291594.2); short protein forms G515S, G516S, G1028S.
Identifiers: ClinVar variation 842990 (VCV000842990.9), dbSNP rs1557616048, ClinGen allele CA338055845.